The following is an entry in ClinVar:

NM_000170.3(GLDC):c.859G>T (p.Gly287Trp)

Gene: GLDC (glycine decarboxylase; minus strand). Cytogenetic location: 9p24.1.
Variant type: single nucleotide variant.
Coding change: c.859G>T on transcript NM_000170.3 (MANE Select); coding-DNA position 859, G replaced by T.
Protein change: p.Gly287Trp; replaces glycine 287 with tryptophan.
Molecular consequence: missense variant.
Genome position (GRCh38, 1-based): chr9:6,605,133, C>A on the plus strand (G>T on the coding strand, the complement: GLDC is on the minus strand). VCF-style: chr9-6605133-C-A. GRCh37 (hg19) VCF-style: chr9-6605133-C-A.
Other names: short protein forms G287W.
Identifiers: ClinVar variation 1473913 (VCV001473913.3), dbSNP rs1291181951, ClinGen allele CA372896220.

ClinVar aggregate classification (germline): Uncertain significance (1 of 4 stars; one submission).

Conditions:
Glycine encephalopathy. Also called: Non-ketotic hyperglycinemia; Nonketotic hyperglycinemia. Identifiers: Orphanet 407, MedGen C0751748, MONDO:0011612, HP:0008288.

Allele frequency attached by ClinVar (database versions not stated): gnomAD exomes below 0.00001.
gnomAD v4.1: 2 of 1,612,372 alleles (0.00012%); highest among the groups gnomAD compares: Non-Finnish European, 0.00017%; no homozygotes.

Submission:

Labcorp Genetics (formerly Invitae), Labcorp
Classification: Uncertain significance for Glycine encephalopathy. Last evaluated: 2022-07-12. Review status: criteria provided, single submitter. Criteria: Invitae Variant Classification Sherloc (09022015). Collection method: clinical testing. Allele origin: germline.
Comment: This sequence change replaces glycine, which is neutral and non-polar, with tryptophan, which is neutral and slightly polar, at codon 287 of the GLDC protein (p.Gly287Trp). This variant is present in population databases (no rsID available, gnomAD 0.0009%). This variant has not been reported in the literature in individuals affected with GLDC-related conditions. ClinVar contains an entry for this variant (Variation ID: 1473913). Algorithms developed to predict the effect of missense changes on protein structure and function are either unavailable or do not agree on the potential impact of this missense change (SIFT: "Deleterious"; PolyPhen-2: "Probably Damaging"; Align-GVGD: "Class C0"). In summary, the available evidence is currently insufficient to determine the role of this variant in disease. Therefore, it has been classified as a Variant of Uncertain Significance.